The following is an entry in ClinVar:

NM_002582.4(PARN):c.139T>A (p.Phe47Ile)

Gene: PARN (poly(A)-specific ribonuclease; minus strand). Cytogenetic location: 16p13.12.
Variant type: single nucleotide variant.
Coding change: c.139T>A on transcript NM_002582.4 (MANE Select); coding-DNA position 139, T replaced by A.
Protein change: p.Phe47Ile; replaces phenylalanine 47 with isoleucine.
Molecular consequence: missense variant. On other transcripts: 5 prime UTR variant (1).
Genome position (GRCh38, 1-based): chr16:14,628,210, A>T on the plus strand (T>A on the coding strand, the complement: PARN is on the minus strand). VCF-style: chr16-14628210-A-T. GRCh37 (hg19) VCF-style: chr16-14722067-A-T.
Other names: c.-45T>A (NM_001134477.3); c.139T>A, p.Phe47Ile (NM_001242992.2); short protein forms F47I.
Identifiers: ClinVar variation 2929421 (VCV002929421.3), dbSNP rs1486635297, ClinGen allele CA394816976.
Genomic context (GRCh38, chr16:14,628,210, plus strand): 5'-ATTTCCTAGCACATCCACTTGCCTTTTTAAGCTTCTGATACCTCTCTTCTGGAGTGTCAA[A>T]ACCATTTGTTAATGCAGAGACTGAAGGTCCATCACTGATTCCTAGATTTTAAGAAATAAA-3'
Protein context (NP_002573.1, residues 37-57): GPSVSALTNG[Phe47Ile]DTPEERYQKL

ClinVar aggregate classification (germline): Uncertain significance (1 of 4 stars; one submission).

Conditions:
Dyskeratosis congenita, autosomal recessive 6 (DKCB6). Identifiers: MedGen C4225356, MONDO:0014600, OMIM 616353.
Pulmonary fibrosis and/or bone marrow failure, Telomere-related, 4. Also called: PULMONARY FIBROSIS AND/OR BONE MARROW FAILURE SYNDROME, TELOMERE-RELATED, 4. Identifiers: Orphanet 2032, MedGen C4225347, MONDO:0014612, OMIM 616371.

Allele frequency attached by ClinVar (database versions not stated): gnomAD exomes below 0.00001; gnomAD 0.00001.
gnomAD v4.1: 6 of 1,608,358 alleles (0.00037%); highest among the groups gnomAD compares: South Asian, 0.0066%; no homozygotes.

Submission:

Labcorp Genetics (formerly Invitae), Labcorp
Classification: Uncertain significance for Dyskeratosis congenita, autosomal recessive 6; Pulmonary fibrosis and/or bone marrow failure, Telomere-related, 4. Last evaluated: 2022-12-18. Review status: criteria provided, single submitter. Criteria: Invitae Variant Classification Sherloc (09022015). Collection method: clinical testing. Allele origin: germline.
Comment: This sequence change replaces phenylalanine, which is neutral and non-polar, with isoleucine, which is neutral and non-polar, at codon 47 of the PARN protein (p.Phe47Ile). This variant is not present in population databases (gnomAD no frequency). This variant has not been reported in the literature in individuals affected with PARN-related conditions. Advanced modeling of protein sequence and biophysical properties (such as structural, functional, and spatial information, amino acid conservation, physicochemical variation, residue mobility, and thermodynamic stability) performed at Invitae indicates that this missense variant is not expected to disrupt PARN protein function. In summary, the available evidence is currently insufficient to determine the role of this variant in disease. Therefore, it has been classified as a Variant of Uncertain Significance.